The following is an entry in ClinVar:

NM_002945.5(RPA1):c.1605T>C (p.Ser535=)

Gene: RPA1 (replication protein A1; plus strand). Cytogenetic location: 17p13.3.
Variant type: single nucleotide variant.
Coding change: c.1605T>C on transcript NM_002945.5 (MANE Select); coding-DNA position 1605, T replaced by C.
Protein change: p.Ser535=; no amino-acid change (serine 535 retained).
Molecular consequence: synonymous variant.
Genome position (GRCh38, 1-based): chr17:1,891,886, T>C. VCF-style: chr17-1891886-T-C. GRCh37 (hg19) VCF-style: chr17-1795180-T-C.
Other names: p.Ser535=; c.1566T>C, p.Ser522= (NM_001355120.2); c.1428T>C, p.Ser476= (NM_001355121.2).
Identifiers: ClinVar variation 2688149 (VCV002688149.3), dbSNP rs2230931, ClinGen allele CA8276362.

ClinVar aggregate classification (germline): Benign. Review status: criteria provided, multiple submitters, no conflicts (2 of 4 stars). 2 submissions from 2 submitters: Benign (2). Last evaluated 2024-01-24.

Allele frequency attached by ClinVar (database versions not stated): gnomAD exomes 0.19179; ESP Exome Variant Server 0.23835; TOPMed 0.25527; 1000 Genomes Project 30x 0.29856; gnomAD 0.24777; ExAC 0.23436; 1000 Genomes Project 0.29393.
gnomAD v4.1: 317,468 of 1,605,116 alleles (20%); highest among the groups gnomAD compares: African/African-American, 36%; 34,584 homozygotes.

Submissions (2):

Unidad de Genómica Garrahan, Hospital de Pediatría Garrahan
Classification: Benign. Last evaluated: 2024-01-24. Review status: criteria provided, single submitter. Criteria: ACMG Guidelines, 2015. Collection method: clinical testing. Allele origin: germline. Affected: no. Observed: 42 variant alleles.
Comment: This variant is classified as Benign based on local population frequency. This variant was detected in 44% of patients studied by a panel of primary immunodeficiencies. Number of patients: 42. Only high quality variants are reported.

Mayo Clinic Laboratories, Mayo Clinic
Classification: Benign. Last evaluated: 2023-05-03. Review status: criteria provided, single submitter. Criteria: ACMG Guidelines, 2015. Collection method: clinical testing. Allele origin: germline. Observed: 144 variant alleles.
Comment: BA1, BP4, BP7

Literature cited by the submitters: PubMed 10393914 (cited by Mayo Clinic Laboratories, Mayo Clinic).